The following is an entry in ClinVar:

NM_000548.5(TSC2):c.5161-23_5165del

Gene: TSC2 (TSC complex subunit 2; plus strand). Cytogenetic location: 16p13.3.
Variant type: Deletion.
Coding change: c.5161-23_5165del on transcript NM_000548.5 (MANE Select); 23 bases into the intron before coding-DNA position 5161 through coding-DNA position 5165, 28 bases deleted (TCACCCCCTGCCTACGTCCCCAGATGGC).
Molecular consequence: splice acceptor variant. On other transcripts: intron variant (1).
Genome position (GRCh38, 1-based): chr16:2,088,204-2,088,231, TCACCCCCTGCCTACGTCCCCAGATGGC deleted; deleting any 28 consecutive bases within chr16:2,088,202-2,088,231 gives the same sequence; the c. name uses the placement nearest the transcript's 3' end. VCF-style (leftmost placement, unchanged base first): chr16-2088201-AGCTCACCCCCTGCCTACGTCCCCAGATG-A. GRCh37 (hg19) VCF-style: chr16-2138202-AGCTCACCCCCTGCCTACGTCCCCAGATG-A.
Other names: c.3619-23_3623del (NM_001406693.1, NM_001406692.1, NM_001406694.1); c.5053-23_5057del (NM_001406667.1); c.5050-23_5054del (NM_001406668.1); c.4561-23_4565del (NM_001406680.1); c.4492-23_4496del (NM_001406683.1, NM_001406682.1); c.4360-23_4364del (NM_001406687.1, NM_001406688.1); c.3748-23_3752del (NM_001406689.1); c.3688-23_3692del (NM_001406690.1); and 27 more.
Identifiers: ClinVar variation 3659503 (VCV003659503.2).
Genomic context (GRCh38, chr16:2,088,201, plus strand): 5'-TGAGTGGGGGTGGGTCCAGGCGTGAGCTGGTGGGACAGGCCCAGGTGCCACCTGATAGTG[AGCTCACCCCCTGCCTACGTCCCCAGATG>A]GCCTCACAGGTGCATCATAGCCGCTCCAACCCCACCGATATCTACCCCTCCAAGTGGATT-3'

ClinVar aggregate classification (germline): Pathogenic (1 of 4 stars; one submission).

Conditions:
Tuberous sclerosis 2 (TSC2). Identifiers: Orphanet 805, MedGen C1860707, MONDO:0013199, OMIM 613254.

Submission:

Labcorp Genetics (formerly Invitae), Labcorp
Classification: Pathogenic for Tuberous sclerosis 2. Last evaluated: 2024-07-15. Review status: criteria provided, single submitter. Criteria: Invitae Variant Classification Sherloc (09022015). Collection method: clinical testing. Allele origin: germline.
Comment: This variant results in the deletion of part of exon 41 (c.5161-23_5165del) of the TSC2 gene. It is expected to disrupt RNA splicing. Variants that disrupt the donor or acceptor splice site typically lead to a loss of protein function (PMID: 16199547), and loss-of-function variants in TSC2 are known to be pathogenic (PMID: 10205261, 17304050). This variant is not present in population databases (gnomAD no frequency). This variant has been observed in individual(s) with clinical features of tuberous sclerosis complex (Invitae). For these reasons, this variant has been classified as Pathogenic.

Literature cited by the submitters: PubMed 16199547; PubMed 10205261; PubMed 17304050.